The following is an entry in ClinVar:

NM_153700.2(STRC):c.4251del (p.Leu1417_Leu1418insTer)

Gene: STRC (stereocilin; minus strand). Cytogenetic location: 15q15.3.
Variant type: Deletion.
Coding change: c.4251del on transcript NM_153700.2 (MANE Select); coding-DNA position 4251, one base deleted (T; older notation c.4251delT).
Protein change: p.Leu1417_Leu1418insTer.
Molecular consequence: frameshift variant.
Genome position (GRCh38, 1-based): chr15:43,604,120, A deleted on the plus strand (T on the coding strand, the reverse complement: STRC is on the minus strand); the first of 2 consecutive A bases (chr15:43,604,120-43,604,121); deleting either gives the same sequence. VCF-style (leftmost placement, unchanged base first): chr15-43604119-GA-G. GRCh37 (hg19) VCF-style: chr15-43896317-GA-G.
Other names: c.4251delT (NM_153700.2).
Identifiers: ClinVar variation 817586 (VCV000817586.4), dbSNP rs1366021609, ClinGen allele CA712992627.

ClinVar aggregate classification (germline): Pathogenic/Likely pathogenic. Review status: criteria provided, multiple submitters, no conflicts (2 of 4 stars). 4 submissions from 4 submitters: Pathogenic (2); Likely pathogenic (2). Last evaluated 2020-12-18.

Conditions:
STRC-related disorder. Also called: STRC-related condition.
Autosomal recessive nonsyndromic hearing loss 16. Also called: DFNB16 Nonsyndromic Hearing Loss and Deafness; DEAFNESS, AUTOSOMAL RECESSIVE 16. Identifiers: Orphanet 90636, MedGen C1863561, MONDO:0011364, OMIM 603720.

Submissions (4):

Blueprint Genetics
Classification: Likely pathogenic for STRC-related disorders. Last evaluated: 2020-12-18. Review status: criteria provided, single submitter. Criteria: ACMG Guidelines, 2015. Collection method: clinical testing. Allele origin: germline. Affected: yes. Observed: 1 variant allele.

MVZ Martinsried, Medicover Genetics
Classification: Pathogenic for Autosomal recessive nonsyndromic hearing loss 16. Last evaluated: 2020-01-15. Review status: criteria provided, single submitter. Criteria: ACGS Guidelines, 2020. Collection method: clinical testing. Allele origin: paternal. Affected: yes.

GeneDx
Classification: Likely pathogenic. Last evaluated: 2019-02-14. Review status: criteria provided, single submitter. Criteria: GeneDx Variant Classification (06012015). Collection method: clinical testing. Allele origin: germline. Affected: yes.
Comment: The L1418X variant in the STRC gene has not been reported previously as a pathogenic variant nor as a benign variant, to our knowledge. This variant is predicted to cause loss of normal protein function either through protein truncation or nonsense-mediated mRNA decay. The L1418X variant is not observed in large population cohorts (Lek et al., 2016). We interpret L1418X as a likely pathogenic variant.

Genome-Nilou Lab
Classification: Pathogenic for Autosomal recessive nonsyndromic hearing loss 16. Review status: criteria provided, single submitter. Criteria: ACMG Guidelines, 2015. Collection method: clinical testing. Allele origin: germline.